The following is an entry in ClinVar:

NM_004519.4(KCNQ3):c.2423G>A (p.Ser808Asn)

Gene: KCNQ3 (potassium voltage-gated channel subfamily Q member 3; minus strand). Cytogenetic location: 8q24.22.
Variant type: single nucleotide variant.
Coding change: c.2423G>A on transcript NM_004519.4 (MANE Select); coding-DNA position 2423, G replaced by A.
Protein change: p.Ser808Asn; replaces serine 808 with asparagine.
Molecular consequence: missense variant.
Genome position (GRCh38, 1-based): chr8:132,129,458, C>T on the plus strand (G>A on the coding strand, the complement: KCNQ3 is on the minus strand). VCF-style: chr8-132129458-C-T. GRCh37 (hg19) VCF-style: chr8-133141705-C-T.
Other names: c.2063G>A, p.Ser688Asn (NM_001204824.2); short protein forms S808N, S688N.
Identifiers: ClinVar variation 538553 (VCV000538553.8), dbSNP rs1554621319, ClinGen allele CA372215929.

ClinVar aggregate classification (germline): Uncertain significance (1 of 4 stars; one submission).

Conditions:
Benign neonatal seizures. Also called: Benign neonatal familial convulsions; Benign familial neonatal seizures; Convulsions benign familial neonatal dominant form; Autosomal dominant form of benign neonatal seizures; Benign familial neonatal epilepsy. Identifiers: Orphanet 1949, MedGen C0220669, MONDO:0016027.

Allele frequency attached by ClinVar (database versions not stated): TOPMed 0.00001.

Submission:

Labcorp Genetics (formerly Invitae), Labcorp
Classification: Uncertain significance for Benign neonatal seizures. Last evaluated: 2022-09-07. Review status: criteria provided, single submitter. Criteria: Invitae Variant Classification Sherloc (09022015). Collection method: clinical testing. Allele origin: germline.
Comment: In summary, the available evidence is currently insufficient to determine the role of this variant in disease. Therefore, it has been classified as a Variant of Uncertain Significance. Algorithms developed to predict the effect of missense changes on protein structure and function are either unavailable or do not agree on the potential impact of this missense change (SIFT: "Tolerated"; PolyPhen-2: "Probably Damaging"; Align-GVGD: "Class C0"). ClinVar contains an entry for this variant (Variation ID: 538553). This variant has not been reported in the literature in individuals affected with KCNQ3-related conditions. This variant is not present in population databases (gnomAD no frequency). This sequence change replaces serine, which is neutral and polar, with asparagine, which is neutral and polar, at codon 808 of the KCNQ3 protein (p.Ser808Asn).